The following is an entry in ClinVar:

ClinVar aggregate classification (germline): Uncertain significance. Review status: criteria provided, multiple submitters, no conflicts (2 of 4 stars). 2 submissions from 2 submitters: Uncertain significance (2). Last evaluated 2025-12-08.

Conditions:
Brugada syndrome 8 (BRGDA8). Identifiers: Orphanet 130, MedGen C2751083, MONDO:0013148, OMIM 613123.

Submissions (2):

Labcorp Genetics (formerly Invitae), Labcorp
Classification: Uncertain significance for Brugada syndrome 8. Last evaluated: 2025-12-08. Review status: criteria provided, single submitter. Criteria: Invitae Variant Classification Sherloc (09022015). Collection method: clinical testing. Allele origin: germline.
Comment: This sequence change replaces serine, which is neutral and polar, with cysteine, which is neutral and slightly polar, at codon 87 of the HCN4 protein (p.Ser87Cys). This variant is not present in population databases (gnomAD no frequency). This variant has not been reported in the literature in individuals affected with HCN4-related conditions. ClinVar contains an entry for this variant (Variation ID: 1022768). Invitae Evidence Modeling of protein sequence and biophysical properties (such as structural, functional, and spatial information, amino acid conservation, physicochemical variation, residue mobility, and thermodynamic stability) indicates that this missense variant is not expected to disrupt HCN4 protein function with a negative predictive value of 95%. In summary, the available evidence is currently insufficient to determine the role of this variant in disease. Therefore, it has been classified as a Variant of Uncertain Significance.

Women's Health and Genetics/Laboratory Corporation of America, LabCorp
Classification: Uncertain significance. Last evaluated: 2025-07-15. Review status: criteria provided, single submitter. Criteria: LabCorp Variant Classification Summary - May 2015. Collection method: clinical testing. Allele origin: germline.
Comment: Variant summary: HCN4 c.260C>G (p.Ser87Cys) results in a non-conservative amino acid change in the encoded protein sequence. Algorithms developed to predict the effect of missense changes on protein structure and function all suggest that this variant is likely to be disruptive. The frequency data for this variant in gnomAD is considered unreliable, as metrics indicate poor data quality at this position. To our knowledge, no occurrence of c.260C>G in individuals affected with Sick Sinus Syndrome 2 and no experimental evidence demonstrating its impact on protein function have been reported. ClinVar contains an entry for this variant (Variation ID: 1022768). Based on the evidence outlined above, the variant was classified as uncertain significance.

NM_005477.3(HCN4):c.260C>G (p.Ser87Cys)

Gene: HCN4 (hyperpolarization activated cyclic nucleotide gated potassium channel 4; minus strand). Cytogenetic location: 15q24.1.
Variant type: single nucleotide variant.
Coding change: c.260C>G on transcript NM_005477.3 (MANE Select); coding-DNA position 260, C replaced by G.
Protein change: p.Ser87Cys; replaces serine 87 with cysteine.
Molecular consequence: missense variant.
Genome position (GRCh38, 1-based): chr15:73,368,011, G>C on the plus strand (C>G on the coding strand, the complement: HCN4 is on the minus strand). VCF-style: chr15-73368011-G-C. GRCh37 (hg19) VCF-style: chr15-73660352-G-C.
Other names: short protein forms S87C.
Identifiers: ClinVar variation 1022768 (VCV001022768.9), dbSNP rs866449137, ClinGen allele CA393098564.